The following is an entry in ClinVar:

ClinVar aggregate classification (germline): Pathogenic (1 of 4 stars; one submission).

Submission:

Labcorp Genetics (formerly Invitae), Labcorp
Classification: Pathogenic. Last evaluated: 2023-02-21. Review status: criteria provided, single submitter. Criteria: Invitae Variant Classification Sherloc (09022015). Collection method: clinical testing. Allele origin: germline.
Comment: This variant has not been reported in the literature in individuals affected with NDUFAF5-related conditions. For these reasons, this variant has been classified as Pathogenic. This variant is not present in population databases (gnomAD no frequency). This sequence change creates a premature translational stop signal (p.Glu130Lysfs*10) in the NDUFAF5 gene. It is expected to result in an absent or disrupted protein product. Loss-of-function variants in NDUFAF5 are known to be pathogenic (PMID: 26275793, 30473481, 32918965).

Literature cited by the submitters: PubMed 26275793; PubMed 30473481; PubMed 32918965.

NM_024120.5(NDUFAF5):c.387del (p.Glu130fs)

Gene: NDUFAF5 (NADH:ubiquinone oxidoreductase complex assembly factor 5; plus strand). Cytogenetic location: 20p12.1.
Variant type: Deletion.
Coding change: c.387del on transcript NM_024120.5 (MANE Select); coding-DNA position 387, one base deleted (A; older notation c.387delA).
Protein change: p.Glu130fs; shifts the reading frame from glutamic acid 130.
Molecular consequence: frameshift variant. On other transcripts: 5 prime UTR variant (2), non-coding transcript variant (5), intron variant (2).
Genome position (GRCh38, 1-based): chr20:13,794,849, A deleted. VCF-style (leftmost placement, unchanged base first): chr20-13794848-CA-C. GRCh37 (hg19) VCF-style: chr20-13775494-CA-C.
Other names: c.-175del (NM_001352406.2, NM_001352407.2); c.387del, p.Glu130fs (NM_001352408.2); c.395+1622del (NM_001039375.3); c.8+1622del (NM_001352403.2); short protein forms E130fs.
Identifiers: ClinVar variation 2839416 (VCV002839416.3), dbSNP rs2516151783, ClinGen allele CA2739277074.
Genomic context (GRCh38, chr20:13,794,848, plus strand): 5'-TTGAGATTCTACATAAATGTGATTTTGATCTTTCGTTTTCTTAACATTAGAAAAATTCCT[CA>C]GAAACAGAAATACCTACTGTCAGCGTTTTAGCTGATGAAGAATTCCTTCCCTTCAAAGAA-3'